The following is an entry in ClinVar:

ClinVar aggregate classification (germline): Conflicting classifications of pathogenicity. Review status: criteria provided, conflicting classifications (1 of 4 stars). 10 submissions from 10 submitters: Likely pathogenic (1); Uncertain significance (8); Likely benign (1). Last evaluated 2026-01-26.

Conditions:
Charcot-Marie-Tooth disease type 4B2. Also called: Charcot-Marie-Tooth Neuropathy Type 4B2; CHARCOT-MARIE-TOOTH DISEASE, DEMYELINATING, TYPE 4B2; CHARCOT-MARIE-TOOTH DISEASE, WITH FOCALLY FOLDED MYELIN SHEATHS, AUTOSOMAL RECESSIVE, TYPE 4B2; CMT 4B2. Identifiers: Orphanet 99956, MedGen C1858278, MONDO:0011475, OMIM 604563.
Tip-toe gait. Also called: Toe walking. Identifiers: MedGen C0427144, HP:0030051.
Inborn genetic diseases. Identifiers: MedGen C0950123, MeSH D030342.
Charcot-Marie-Tooth disease type 4. Also called: Charcot-Marie-Tooth disease, type IV; Charcot-Marie-Tooth, Type 4. Identifiers: Orphanet 64749, MedGen C4082197, MONDO:0018995.
SBF2-related disorder. Also called: SBF2-related condition.

Allele frequency attached by ClinVar (database versions not stated): ExAC 0.00012; gnomAD 0.00014; TOPMed 0.00014; ESP Exome Variant Server 0.00015; gnomAD exomes 0.00019.
gnomAD v4.1: 295 of 1,614,026 alleles (0.018%); highest among the groups gnomAD compares: Non-Finnish European, 0.023%; no homozygotes.

Submissions (10):

Labcorp Genetics (formerly Invitae), Labcorp
Classification: Uncertain significance for Charcot-Marie-Tooth disease type 4. Last evaluated: 2026-01-26. Review status: criteria provided, single submitter. Criteria: Invitae Variant Classification Sherloc (09022015). Collection method: clinical testing. Allele origin: germline.
Comment: This sequence change replaces glutamine, which is neutral and polar, with glutamic acid, which is acidic and polar, at codon 733 of the SBF2 protein (p.Gln733Glu). This variant is present in population databases (rs145199888, gnomAD 0.03%). This variant has not been reported in the literature in individuals affected with SBF2-related conditions. ClinVar contains an entry for this variant (Variation ID: 306600). Invitae Evidence Modeling of protein sequence and biophysical properties (such as structural, functional, and spatial information, amino acid conservation, physicochemical variation, residue mobility, and thermodynamic stability) indicates that this missense variant is not expected to disrupt SBF2 protein function with a negative predictive value of 80%. In summary, the available evidence is currently insufficient to determine the role of this variant in disease. Therefore, it has been classified as a Variant of Uncertain Significance.

Mayo Clinic Laboratories, Mayo Clinic
Classification: Uncertain significance. Last evaluated: 2025-11-19. Review status: criteria provided, single submitter. Criteria: ACMG Guidelines, 2015. Collection method: clinical testing. Allele origin: germline. Observed: 4 variant alleles.
Comment: BP4_moderate

PreventionGenetics, part of Exact Sciences
Classification: Uncertain significance for SBF2-related condition. Last evaluated: 2025-10-02. Review status: criteria provided, single submitter. Criteria: ACMG Guidelines, 2015. Collection method: clinical testing. Allele origin: germline.
Comment: The SBF2 c.2197C>G variant is predicted to result in the amino acid substitution p.Gln733Glu. To our knowledge, this variant has not been reported in the literature. This variant is reported in 0.035% of alleles in individuals of European (Non-Finnish) descent in gnomAD. At this time, the clinical significance of this variant is uncertain due to the absence of conclusive functional and genetic evidence.

Ambry Genetics
Classification: Uncertain significance for Inborn genetic diseases. Last evaluated: 2025-03-20. Review status: criteria provided, single submitter. Criteria: Ambry Variant Classification Scheme 2023. Collection method: clinical testing. Allele origin: germline.
Comment: The c.2197C>G (p.Q733E) alteration is located in exon 19 (coding exon 19) of the SBF2 gene. This alteration results from a C to G substitution at nucleotide position 2197, causing the glutamine (Q) at amino acid position 733 to be replaced by a glutamic acid (E). The alteration is rare in population databases: Based on data from the Genome Aggregation Database (gnomAD), the c.2197C>G alteration was observed in 0.018% (52/282,826) of total alleles studied. The altered amino acid is conserved throughout evolution: The p.Q733 amino acid is conserved in available vertebrate species. The alteration is predicted tolerated by in silico modeling: The p.Q733E alteration is predicted to be tolerated by in silico analysis. Based on insufficient or conflicting evidence, the clinical significance of this alteration remains unclear.

Women's Health and Genetics/Laboratory Corporation of America, LabCorp
Classification: Uncertain significance. Last evaluated: 2024-12-24. Review status: criteria provided, single submitter. Criteria: LabCorp Variant Classification Summary - May 2015. Collection method: clinical testing. Allele origin: germline.
Comment: Variant summary: SBF2 c.2197C>G (p.Gln733Glu) results in a conservative amino acid change in the encoded protein sequence. Four of five in-silico tools predict a benign effect of the variant on protein function. The variant allele was found at a frequency of 0.00019 in 251444 control chromosomes. This frequency is not significantly higher than estimated for a pathogenic variant in SBF2 causing Charcot-Marie-Tooth disease type 4B2, allowing no conclusion about variant significance. To our knowledge, no occurrence of c.2197C>G in individuals affected with Charcot-Marie-Tooth disease type 4B2 and no experimental evidence demonstrating its impact on protein function have been reported. ClinVar contains an entry for this variant (Variation ID: 306600). Based on the evidence outlined above, the variant was classified as uncertain significance.

Practice for Gait Abnormalities, David Pomarino, Competency Network Toe Walking C/o Practice Pomarino
Classification: Likely pathogenic for Tip-toe gait. Last evaluated: 2021-02-10. Review status: criteria provided, single submitter. Criteria: ACMG Guidelines, 2015. Collection method: clinical testing. Allele origin: unknown. Affected: yes. Observed: 3 variant alleles, 3 heterozygotes. Clinical features observed: Pes cavus (HP:0001761), Limited range of motion of the upper ankle.
Comment: We conducted a clinical examination of patients about toe walking. The SBF2 c.2197C>G was detected in 3 patients. We also examined a control group of children without toe walking (100 children). In this group this variant could not be identified. Hereditary motor sensory neuropathy (HMSN), also known as Charcot-Marie-Tooth Disease (CMT), is the most commonly inherited peripheral polyneuropathy. It constitutes a group of inherited, progressive, motor and sensory peripheral nerve disorders with properties of demyelination, axonal degeneration, or both. It is classified by clinical characteristics, modes of inheritance, electrophysiologic features, metabolic defects, and specific gene markers. Our patients all walk on tiptoe, so they show similar symptoms. When we genetically test them with our toe walking panel, we find that around 90 per cent of them have a genetic variant that explains their toe walking. These can be assigned, for example, to the area of myopathies (such as variants of the COL6A3 gene), the area of hereditary neuropathies (such as variants of the KMT2C gene) or the area of metabolic diseases (such as variants of the PYGM gene). In a smaller group of patients with almost identical symptoms, no abnormality is found in the genes of our panel, but spastic paraplegia can be detected. In another small group of our toe walkers, no abnormalities can be detected in the genes analysed in our toe walking panel, nor do they suffer from spastic paraplegia, as is also the case with healthy children. In contrast to these, however, they show a tiptoe gait. These patients suffer from infantile cerebral palsy, in which toe walking can also be observed.

ARUP Laboratories, Molecular Genetics and Genomics, ARUP Laboratories
Classification: Uncertain significance for Charcot-Marie-Tooth disease type 4B2. Last evaluated: 2019-04-26. Review status: criteria provided, single submitter. Criteria: ARUP Molecular Germline Variant Investigation Process. Collection method: clinical testing. Allele origin: germline.
Comment: The SBF2 c.2197C>G; p.Gln733Glu variant (rs145199888), to our knowledge, is not reported in the medical literature but is reported in ClinVar (Variation ID: 306600). This variant is listed in the Genome Aggregation Database (gnomAD) with an overall population frequency of 0.03 percent in the European Non-Finnish (identified on 45 out of 129,148 chromosomes). The glutamine at codon 733 is weakly conserved, and computational analyses (SIFT, PolyPhen-2) predict that this variant is tolerated. Due to limited information, the clinical significance of the p.Gln733Glu variant is uncertain at this time.

GeneDx
Classification: Likely benign. Last evaluated: 2018-06-01. Review status: criteria provided, single submitter. Criteria: GeneDx Variant Classification (06012015). Collection method: clinical testing. Allele origin: germline. Affected: yes.
Comment: This variant is considered likely benign or benign based on one or more of the following criteria: it is a conservative change, it occurs at a poorly conserved position in the protein, it is predicted to be benign by multiple in silico algorithms, and/or has population frequency not consistent with disease.

CeGaT Center for Human Genetics Tuebingen
Classification: Uncertain significance. Last evaluated: 2018-02-28. Review status: criteria provided, single submitter. Criteria: Praxis fuer Humangenetik Tuebingen - Variant Classification Criteria. Collection method: clinical testing. Allele origin: germline. Affected: yes. Observed: 1 variant allele.

Illumina Laboratory Services, Illumina
Classification: Uncertain significance for Charcot-Marie-Tooth disease type 4B2. Last evaluated: 2018-01-12. Review status: criteria provided, single submitter. Criteria: ICSL Variant Classification Criteria 13 December 2019. Collection method: clinical testing. Allele origin: germline.

Literature cited by the submitters: PubMed 37091313 (cited by Practice for Gait Abnormalities, David Pomarino, Competency Network Toe Walking C/o Practice Pomarino).

NM_030962.4(SBF2):c.2197C>G (p.Gln733Glu)

Genes: SBF2 (SET binding factor 2; minus strand), LOC101928008 (uncharacterized LOC101928008; plus strand). Cytogenetic location: 11p15.4.
Variant type: single nucleotide variant.
Coding change: c.2197C>G on transcript NM_030962.4 (MANE Select); coding-DNA position 2197, C replaced by G.
Protein change: p.Gln733Glu; replaces glutamine 733 with glutamic acid.
Molecular consequence: missense variant.
Genome position (GRCh38, 1-based): chr11:9,856,624, G>C on the plus strand (C>G on the coding strand, the complement: SBF2 is on the minus strand). VCF-style: chr11-9856624-G-C. GRCh37 (hg19) VCF-style: chr11-9878171-G-C.
Other names: c.2197C>G, p.Gln733Glu (NM_001386339.1); c.2068C>G, p.Gln690Glu (NM_001386342.1); short protein forms Q733E, Q690E.
Identifiers: ClinVar variation 306600 (VCV000306600.39), dbSNP rs145199888, ClinGen allele CA5881611.